The following is an entry in ClinVar:

NM_007294.4(BRCA1):c.38A>G (p.Asn13Ser)

Gene: BRCA1 (BRCA1 DNA repair associated; minus strand). Cytogenetic location: 17q21.31.
Variant type: single nucleotide variant.
Coding change: c.38A>G on transcript NM_007294.4 (MANE Select); coding-DNA position 38, A replaced by G.
Protein change: p.Asn13Ser; replaces asparagine 13 with serine.
Molecular consequence: missense variant. On other transcripts: 5 prime UTR variant (1), non-coding transcript variant (1).
Genome position (GRCh38, 1-based): chr17:43,124,059, T>C on the plus strand (A>G on the coding strand, the complement: BRCA1 is on the minus strand). VCF-style: chr17-43124059-T-C. GRCh37 (hg19) VCF-style: chr17-41276076-T-C.
Other names: c.-151A>G (NM_001407571.1, NM_001407853.1, NM_001407879.1 and 46 more transcripts); c.38A>G, p.Asn13Ser (NM_001407581.1, NM_001407582.1, NM_001407583.1 and 193 more transcripts); c.-220A>G (NM_001407694.1, NM_001407724.1, NM_001407727.1 and 11 more transcripts); c.-224A>G (NM_001407695.1, NM_001408465.1); c.-365A>G (NM_001407696.1); c.-249A>G (NM_001407697.1, NM_001407846.1, NM_001407920.1); c.-50A>G (NM_001407698.1, NM_001407732.1, NM_001407736.1 and 23 more transcripts); c.-223A>G (NM_001407725.1, NM_001407730.1, NM_001407734.1 and 22 more transcripts); and 8 more; short protein forms N13S.
Identifiers: ClinVar variation 869087 (VCV000869087.3), dbSNP rs2055733986, ClinGen allele CA10602084.
Genomic context (GRCh38, chr17:43,124,059, plus strand): 5'-ACTCTTGTGCTGACTTACCAGATGGGACACTCTAAGATTTTCTGCATAGCATTAATGACA[T>C]TTTGTACTTCTTCAACGCGAAGAGCAGATAAATCCATTTCTTTCTGTTCCAATGAACTTT-3'
Protein context (NP_009225.1, residues 3-23): LSALRVEEVQ[Asn13Ser]VINAMQKILE

Conditions:
Breast-ovarian cancer, familial, susceptibility to, 1 (BROVCA1). Also called: BRCA1 Hereditary Breast and Ovarian Cancer; OVARIAN CANCER, SUSCEPTIBILITY TO. Identifiers: Orphanet 145, MedGen C2676676, MONDO:0011450, OMIM 604370. Disease mechanism: loss of function.

Submission:

Brotman Baty Institute, University of Washington
No classification provided (evidence only). Condition: Breast-ovarian cancer, familial 1. Review status: no classification provided. Collection method: in vitro. Allele origin: not applicable. Functional consequence: functionally_normal.
ClinVar note: "not provided" was previously submitted as the classification for the variant. However, the classification appeared to be based only on an observation of functional data so it was converted to no classification on 2025-07-30.